The following is an entry in ClinVar:

NM_001291303.3(FAT4):c.5012G>A (p.Arg1671His)

Gene: FAT4 (FAT atypical cadherin 4; plus strand). Cytogenetic location: 4q28.1.
Variant type: single nucleotide variant.
Coding change: c.5012G>A on transcript NM_001291303.3 (MANE Select); coding-DNA position 5012, G replaced by A.
Protein change: p.Arg1671His; replaces arginine 1671 with histidine.
Molecular consequence: missense variant.
Genome position (GRCh38, 1-based): chr4:125,321,423, G>A. VCF-style: chr4-125321423-G-A. GRCh37 (hg19) VCF-style: chr4-126242578-G-A.
Other names: c.5012G>A (NM_024582.4, NM_024582.5); c.5012G>A, p.Arg1671His (NM_001291285.3, NM_024582.6); short protein forms R1671H.
Identifiers: ClinVar variation 1415937 (VCV001415937.9), dbSNP rs375605783, ClinGen allele CA3072559.

ClinVar aggregate classification (germline): Uncertain significance. Review status: criteria provided, multiple submitters, no conflicts (2 of 4 stars). 4 submissions from 4 submitters: Uncertain significance (4). Last evaluated 2025-11-03.

Conditions:
Inborn genetic diseases. Identifiers: MedGen C0950123, MeSH D030342.
Van Maldergem syndrome 2 (VMLDS2). Identifiers: Orphanet 314679, MedGen C3809875, MONDO:0014242, OMIM 615546.
Hennekam lymphangiectasia-lymphedema syndrome 2 (HKLLS2). Identifiers: Orphanet 2136, MedGen C4014939, MONDO:0014454, OMIM 616006.

Allele frequency attached by ClinVar (database versions not stated): ExAC 0.00002; gnomAD exomes 0.00002 and 0.00004; TOPMed 0.00003; gnomAD 0.00004 and 0.00005; ESP Exome Variant Server 0.00008.
gnomAD v4.1: 60 of 1,613,960 alleles (0.0037%); highest among the groups gnomAD compares: Middle Eastern, 0.016%; no homozygotes.

Submissions (4):

Labcorp Genetics (formerly Invitae), Labcorp
Classification: Uncertain significance. Last evaluated: 2025-11-03. Review status: criteria provided, single submitter. Criteria: Invitae Variant Classification Sherloc (09022015). Collection method: clinical testing. Allele origin: germline.
Comment: This sequence change replaces arginine, which is basic and polar, with histidine, which is basic and polar, at codon 1671 of the FAT4 protein (p.Arg1671His). This variant is present in population databases (rs375605783, gnomAD 0.004%). This variant has not been reported in the literature in individuals affected with FAT4-related conditions. ClinVar contains an entry for this variant (Variation ID: 1415937). Invitae Evidence Modeling of protein sequence and biophysical properties (such as structural, functional, and spatial information, amino acid conservation, physicochemical variation, residue mobility, and thermodynamic stability) indicates that this missense variant is not expected to disrupt FAT4 protein function with a negative predictive value of 95%. In summary, the available evidence is currently insufficient to determine the role of this variant in disease. Therefore, it has been classified as a Variant of Uncertain Significance.

Ambry Genetics
Classification: Uncertain significance for Inborn genetic diseases. Last evaluated: 2024-07-05. Review status: criteria provided, single submitter. Criteria: Ambry Variant Classification Scheme 2023. Collection method: clinical testing. Allele origin: germline.

Fulgent Genetics
Classification: Uncertain significance for Van Maldergem syndrome 2; Hennekam lymphangiectasia-lymphedema syndrome 2. Last evaluated: 2024-01-02. Review status: criteria provided, single submitter. Criteria: ACMG Guidelines, 2015. Collection method: clinical testing. Allele origin: germline.

GeneDx
Classification: Uncertain significance. Last evaluated: 2023-06-02. Review status: criteria provided, single submitter. Criteria: GeneDx Variant Classification Process June 2021. Collection method: clinical testing. Allele origin: germline. Affected: yes.
Comment: Not observed at significant frequency in large population cohorts (gnomAD); In silico analysis supports that this missense variant does not alter protein structure/function; Has not been previously published as pathogenic or benign to our knowledge